The following is an entry in ClinVar:

ClinVar aggregate classification (germline): Uncertain significance (1 of 4 stars; one submission).

Conditions:
Primary ciliary dyskinesia 33. Also called: CILIARY DYSKINESIA, PRIMARY, 33, WITHOUT SITUS INVERSUS. Identifiers: Orphanet 244, MedGen C4225230, MONDO:0014750, OMIM 616726.

Submission:

Labcorp Genetics (formerly Invitae), Labcorp
Classification: Uncertain significance for Primary ciliary dyskinesia 33. Last evaluated: 2024-06-25. Review status: criteria provided, single submitter. Criteria: Invitae Variant Classification Sherloc (09022015). Collection method: clinical testing. Allele origin: germline.
Comment: This sequence change replaces glutamic acid, which is acidic and polar, with aspartic acid, which is acidic and polar, at codon 368 of the GAS8 protein (p.Glu368Asp). This variant is not present in population databases (gnomAD no frequency). This variant has not been reported in the literature in individuals affected with GAS8-related conditions. Advanced modeling of protein sequence and biophysical properties (such as structural, functional, and spatial information, amino acid conservation, physicochemical variation, residue mobility, and thermodynamic stability) performed at Invitae indicates that this missense variant is expected to disrupt GAS8 protein function with a positive predictive value of 80%. In summary, the available evidence is currently insufficient to determine the role of this variant in disease. Therefore, it has been classified as a Variant of Uncertain Significance.

NM_001481.3(DRC4):c.1104A>T (p.Glu368Asp)

Gene: DRC4 (dynein regulatory complex subunit 4; plus strand). Cytogenetic location: 16q24.3.
Variant type: single nucleotide variant.
Coding change: c.1104A>T on transcript NM_001481.3 (MANE Select); coding-DNA position 1104, A replaced by T.
Protein change: p.Glu368Asp; replaces glutamic acid 368 with aspartic acid.
Molecular consequence: missense variant. On other transcripts: non-coding transcript variant (1).
Genome position (GRCh38, 1-based): chr16:90,040,392, A>T. VCF-style: chr16-90040392-A-T. GRCh37 (hg19) VCF-style: chr16-90106800-A-T.
Other names: c.855A>T, p.Glu285Asp (NM_001286205.2); c.528A>T, p.Glu176Asp (NM_001286208.2); c.1029A>T, p.Glu343Asp (NM_001286209.2); short protein forms E343D, E368D, E176D, E285D.
Identifiers: ClinVar variation 3639757 (VCV003639757.2).